The following is an entry in ClinVar:

NM_000243.3(MEFV):c.1759+1G>T

Genes: MEFV (MEFV innate immunity regulator, pyrin; minus strand), LOC126862264 (CDK7 strongly-dependent group 2 enhancer GRCh37_chr16:3293322-3294521; plus strand). Cytogenetic location: 16p13.3.
Variant type: single nucleotide variant.
Coding change: c.1759+1G>T on transcript NM_000243.3 (MANE Select); the canonical splice donor site of the intron after coding-DNA position 1759, G replaced by T.
Molecular consequence: splice donor variant.
Genome position (GRCh38, 1-based): chr16:3,244,253, C>A on the plus strand (G>T on the coding strand, the complement: MEFV is on the minus strand). VCF-style: chr16-3244253-C-A. GRCh37 (hg19) VCF-style: chr16-3294253-C-A.
Other names: c.1126+1G>T (NM_001198536.2).
Identifiers: ClinVar variation 946757 (VCV000946757.5), dbSNP rs876660996, ClinGen allele CA394490341.
Genomic context (GRCh38, chr16:3,244,253, plus strand): 5'-ACAGCACAAGGGAACACTGCAACAACCCCAGGCCAGCACACACCATTACCGCTGGACTCA[C>A]CATTGAACATTTCCATTTCTGAACGCAGGGTTTCTAAAATGTGGGAAAGGGAGCAGAGAG-3'

ClinVar aggregate classification (germline): Uncertain significance (1 of 4 stars; one submission).

Conditions:
Familial Mediterranean fever (FMF). Also called: POLYSEROSITIS, FAMILIAL PAROXYSMAL; POLYSEROSITIS, RECURRENT; Periodic peritonitis; Benign paroxysmal peritonitis. Identifiers: Orphanet 342, MedGen C0031069, MONDO:0018088, OMIM 249100. Disease mechanism: gain of function.

gnomAD v4.1: 1 of 1,614,078 alleles (0.000062%); highest among the groups gnomAD compares: Non-Finnish European, 0.000085%; no homozygotes.

Submission:

Labcorp Genetics (formerly Invitae), Labcorp
Classification: Uncertain significance for Familial Mediterranean fever. Last evaluated: 2019-07-16. Review status: criteria provided, single submitter. Criteria: Invitae Variant Classification Sherloc (09022015). Collection method: clinical testing. Allele origin: germline.
Comment: This sequence change affects a donor splice site in intron 8 of the MEFV gene. It is expected to disrupt RNA splicing and likely results in an absent or disrupted protein product. This variant is not present in population databases (ExAC no frequency). This variant has not been reported in the literature in individuals with MEFV-related conditions. Algorithms developed to predict the effect of sequence changes on RNA splicing suggest that this variant may disrupt the consensus splice site, but this prediction has not been confirmed by published transcriptional studies. The current clinical and genetic evidence is not sufficient to establish whether loss-of-function variants in MEFV cause disease. In summary, the available evidence is currently insufficient to determine the role of this variant in disease. Therefore, it has been classified as a Variant of Uncertain Significance.